The following is an entry in ClinVar:

NM_001164586.2(IGFN1):c.5832C>T (p.Phe1944=)

Gene: IGFN1 (immunoglobulin like and fibronectin type III domain containing 1; plus strand). Cytogenetic location: 1q32.1.
Variant type: single nucleotide variant.
Coding change: c.5832C>T on transcript NM_001164586.2 (MANE Select); coding-DNA position 5832, C replaced by T.
Protein change: p.Phe1944=; no amino-acid change (phenylalanine 1944 retained).
Molecular consequence: synonymous variant. On other transcripts: intron variant (1).
Genome position (GRCh38, 1-based): chr1:201,210,725, C>T. VCF-style: chr1-201210725-C-T. GRCh37 (hg19) VCF-style: chr1-201179853-C-T.
Other names: c.1242-2781C>T (NM_001367841.1).
Identifiers: ClinVar variation 2639758 (VCV002639758.24), dbSNP rs1169834272, ClinGen allele CA422818681.
Genomic context (GRCh38, chr1:201,210,725, plus strand): 5'-AGGTTATAGGAAGGATTTGGGGGCTCCTGAGGGAATGGGTTCAGGGAGTAAGGAAGGTTT[C>T]AGGGATGGTTTAGGGGGTTCTGAAGAAATGGGGTCAGTGAATAAGGCAGGTTATAGGAAG-3'
Protein context (NP_001158058.1, residues 1934-1954): EGMGSGSKEG[Phe1944=]RDGLGGSEEM

ClinVar aggregate classification (germline): Likely benign (1 of 4 stars; one submission).

Submission:

CeGaT Center for Human Genetics Tuebingen
Classification: Likely benign. Last evaluated: 2024-07-01. Review status: criteria provided, single submitter. Criteria: CeGaT Center For Human Genetics Tuebingen Variant Classification Criteria Version 2. Collection method: clinical testing. Allele origin: germline. Affected: yes. Observed: 3 variant alleles.
Comment: IGFN1: BP4, BP7